The following is an entry in ClinVar:

NM_006231.4(POLE):c.2320-68G>A

Gene: POLE (DNA polymerase epsilon, catalytic subunit; minus strand). Cytogenetic location: 12q24.33.
Variant type: single nucleotide variant.
Coding change: c.2320-68G>A on transcript NM_006231.4 (MANE Select); 68 bases into the intron before coding-DNA position 2320, G replaced by A.
Molecular consequence: intron variant.
Genome position (GRCh38, 1-based): chr12:132,665,518, C>T on the plus strand (G>A on the coding strand, the complement: POLE is on the minus strand). VCF-style: chr12-132665518-C-T. GRCh37 (hg19) VCF-style: chr12-133242104-C-T.
Identifiers: ClinVar variation 677090 (VCV000677090.2), dbSNP rs116095591, ClinGen allele CA246319406.

ClinVar aggregate classification (germline): Likely benign. Review status: criteria provided, multiple submitters, no conflicts (2 of 4 stars). 2 submissions from 2 submitters: Likely benign (2). Last evaluated 2018-06-12.

Allele frequency attached by ClinVar (database versions not stated): gnomAD 0.00402 and 0.00433; TOPMed 0.00431; 1000 Genomes Project 0.00539; 1000 Genomes Project 30x 0.00593.
gnomAD v4.1: 1,163 of 1,513,424 alleles (0.077%); highest among the groups gnomAD compares: African/African-American, 1.4%; 15 homozygotes.

Submissions (2):

GeneDx
Classification: Likely benign. Last evaluated: 2018-06-12. Review status: criteria provided, single submitter. Criteria: GeneDx Variant Classification (06012015). Collection method: clinical testing. Allele origin: germline. Affected: yes.
Comment: This variant is considered likely benign or benign based on one or more of the following criteria: it is a conservative change, it occurs at a poorly conserved position in the protein, it is predicted to be benign by multiple in silico algorithms, and/or has population frequency not consistent with disease.

Breakthrough Genomics
Classification: Likely benign. Review status: criteria provided, single submitter. Criteria: ACMG Guidelines, 2015. Collection method: not provided. Allele origin: germline. Inheritance: Autosomal recessive inheritance. Affected: yes.